The following is an entry in ClinVar:

NM_001458.5(FLNC):c.70A>C (p.Thr24Pro)

Gene: FLNC (filamin C; plus strand). Cytogenetic location: 7q32.1.
Variant type: single nucleotide variant.
Coding change: c.70A>C on transcript NM_001458.5 (MANE Select); coding-DNA position 70, A replaced by C.
Protein change: p.Thr24Pro; replaces threonine 24 with proline.
Molecular consequence: missense variant.
Genome position (GRCh38, 1-based): chr7:128,830,707, A>C. VCF-style: chr7-128830707-A-C. GRCh37 (hg19) VCF-style: chr7-128470761-A-C.
Other names: c.70A>C, p.Thr24Pro (NM_001127487.2); short protein forms T24P.
Identifiers: ClinVar variation 2630851 (VCV002630851.1), dbSNP rs2536604955, ClinGen allele CA369215592.

ClinVar aggregate classification (germline): Uncertain significance (1 of 4 stars; one submission).

Conditions:
FLNC-related disorder. Also called: FLNC-related condition; FLNC-related disorders.

gnomAD v4.1: 1 of 1,612,964 alleles (0.000062%); highest among the groups gnomAD compares: Non-Finnish European, 0.000085%; no homozygotes.

Submission:

PreventionGenetics, part of Exact Sciences
Classification: Uncertain significance for FLNC-related condition. Last evaluated: 2023-09-14. Review status: criteria provided, single submitter. Criteria: ACMG Guidelines, 2015. Collection method: clinical testing. Allele origin: germline.
Comment: The FLNC c.70A>C variant is predicted to result in the amino acid substitution p.Thr24Pro. To our knowledge, this variant has not been reported in the literature or in a large population database, indicating this variant is rare. At this time, the clinical significance of this variant is uncertain due to the absence of conclusive functional and genetic evidence.